The following is an entry in ClinVar:

ClinVar aggregate classification (germline): Uncertain significance (1 of 4 stars; one submission).

Conditions:
Neurofibromatosis, type 1 (NF1). Also called: Neurofibromatosis, type I; VON RECKLINGHAUSEN DISEASE; NEUROFIBROMATOSIS, TYPE I, SOMATIC; Peripheral type neurofibromatosis. Identifiers: Orphanet 636, MedGen C0027831, MONDO:0018975, OMIM 162200. Disease mechanism: loss of function.

Submission:

Labcorp Genetics (formerly Invitae), Labcorp
Classification: Uncertain significance for Neurofibromatosis, type 1. Last evaluated: 2023-04-26. Review status: criteria provided, single submitter. Criteria: Invitae Variant Classification Sherloc (09022015). Collection method: clinical testing. Allele origin: germline.
Comment: Algorithms developed to predict the effect of sequence changes on RNA splicing suggest that this variant may create or strengthen a splice site. This variant has not been reported in the literature in individuals affected with NF1-related conditions. This variant is not present in population databases (gnomAD no frequency). This variant, c.5675_5677dup, results in the insertion of 1 amino acid(s) of the NF1 protein (p.Lys1892dup), but otherwise preserves the integrity of the reading frame. In summary, the available evidence is currently insufficient to determine the role of this variant in disease. Therefore, it has been classified as a Variant of Uncertain Significance.

NM_001042492.3(NF1):c.5738_5740dup (p.Lys1913_Thr1914insLys)

Gene: NF1 (neurofibromin 1; plus strand). Cytogenetic location: 17q11.2.
Variant type: Duplication.
Coding change: c.5738_5740dup on transcript NM_001042492.3 (MANE Select); coding-DNA positions 5738 to 5740, 3 bases duplicated (AGA; older notation c.5738_5740dupAGA).
Protein change: p.Lys1913_Thr1914insLys.
Molecular consequence: inframe insertion. On other transcripts: inframe indel (1).
Genome position (GRCh38, 1-based): chr17:31,330,424-31,330,426, AGA duplicated; duplicating any 3 consecutive bases within chr17:31,330,423-31,330,426 gives the same sequence; the c. name uses the placement nearest the transcript's 3' end. VCF-style (leftmost placement, unchanged base first): chr17-31330422-T-TAAG. GRCh37 (hg19) VCF-style: chr17-29657440-T-TAAG.
Other names: c.5675_5677dup, p.Lys1892_Thr1893insLys (NM_000267.4).
Identifiers: ClinVar variation 2842607 (VCV002842607.3), dbSNP rs2508718954, ClinGen allele CA2739267476.